The following is an entry in ClinVar:

ClinVar aggregate classification (germline): Uncertain significance (1 of 4 stars; one submission).

Conditions:
Hereditary cancer-predisposing syndrome. Also called: Tumor predisposition; Neoplastic Syndromes, Hereditary; Hereditary neoplastic syndrome; Hereditary Cancer Syndrome. Identifiers: Orphanet 140162, MedGen C0027672, MeSH D009386, MONDO:0015356.

Submission:

Ambry Genetics
Classification: Uncertain significance for Hereditary cancer-predisposing syndrome. Last evaluated: 2025-08-27. Review status: criteria provided, single submitter. Criteria: Ambry Variant Classification Scheme 2023. Collection method: clinical testing. Allele origin: germline.
Comment: The p.S44R variant (also known as c.130A>C), located in coding exon 2 of the MUTYH gene, results from an A to C substitution at nucleotide position 130. The serine at codon 44 is replaced by arginine, an amino acid with dissimilar properties. This amino acid position is conserved. In addition, this alteration is predicted to be tolerated by in silico analysis. Based on the available evidence, the clinical significance of this variant remains unclear.

NM_001048174.2(MUTYH):c.88A>C (p.Ser30Arg)

Gene: MUTYH (mutY DNA glycosylase; minus strand). Cytogenetic location: 1p34.1.
Variant type: single nucleotide variant.
Coding change: c.88A>C on transcript NM_001048174.2 (MANE Select); coding-DNA position 88, A replaced by C.
Protein change: p.Ser30Arg; replaces serine 30 with arginine.
Molecular consequence: missense variant. On other transcripts: non-coding transcript variant (7), 5 prime UTR variant (7).
Genome position (GRCh38, 1-based): chr1:45,334,418, T>G on the plus strand (A>C on the coding strand, the complement: MUTYH is on the minus strand). VCF-style: chr1-45334418-T-G. GRCh37 (hg19) VCF-style: chr1-45800090-T-G.
Other names: c.88A>C, p.Ser30Arg (NM_001048171.2, NM_001048172.2, NM_001048173.2 and 15 more transcripts); c.130A>C, p.Ser44Arg (NM_001407073.1, NM_012222.3, NM_001128425.2 and 2 more transcripts); c.-69A>C (NM_001407075.1); c.-120A>C (NM_001407082.1, NM_001350651.2); c.106A>C, p.Ser36Arg (NM_001407087.1); c.-125A>C (NM_001407091.1, NM_001293192.2, NM_001293196.2); c.-184A>C (NM_001350650.2); short protein forms S36R, S44R, S30R.
Identifiers: ClinVar variation 4113169 (VCV004113169.1).